The following is an entry in ClinVar:

ClinVar aggregate classification (germline): Uncertain significance (1 of 4 stars; one submission).

Conditions:
Spondyloepimetaphyseal dysplasia, aggrecan type. Also called: SEMD, AGGRECAN TYPE. Identifiers: Orphanet 171866, MedGen C2748544, MONDO:0013014, OMIM 612813.

Submission:

Baylor Genetics
Classification: Uncertain significance for Spondyloepimetaphyseal dysplasia, aggrecan type. Last evaluated: 2018-01-24. Review status: criteria provided, single submitter. Criteria: ACMG Guidelines, 2015. Collection method: clinical testing. Allele origin: unknown. Affected: yes.
Comment: This variant was determined to be of uncertain significance according to ACMG Guidelines, 2015 [PMID:25741868].

NM_001369268.1(ACAN):c.5434G>A (p.Val1812Ile)

Gene: ACAN (aggrecan; plus strand). Cytogenetic location: 15q26.1.
Variant type: single nucleotide variant.
Coding change: c.5434G>A on transcript NM_001369268.1 (MANE Select); coding-DNA position 5434, G replaced by A.
Protein change: p.Val1812Ile; replaces valine 1812 with isoleucine.
Molecular consequence: missense variant.
Genome position (GRCh38, 1-based): chr15:88,858,019, G>A. VCF-style: chr15-88858019-G-A. GRCh37 (hg19) VCF-style: chr15-89401250-G-A.
Other names: c.5434G>A, p.Val1812Ile (NM_001135.4, NM_013227.4); short protein forms V1812I.
Identifiers: ClinVar variation 1034408 (VCV001034408.1), dbSNP rs1897100294, ClinGen allele CA393724544.